The following is an entry in ClinVar:

NM_018685.5(ANLN):c.1175G>C (p.Ser392Thr)

Gene: ANLN (anillin, actin binding protein; plus strand). Cytogenetic location: 7p14.2.
Variant type: single nucleotide variant.
Coding change: c.1175G>C on transcript NM_018685.5 (MANE Select); coding-DNA position 1175, G replaced by C.
Protein change: p.Ser392Thr; replaces serine 392 with threonine.
Molecular consequence: missense variant.
Genome position (GRCh38, 1-based): chr7:36,410,592, G>C. VCF-style: chr7-36410592-G-C. GRCh37 (hg19) VCF-style: chr7-36450201-G-C.
Other names: c.1175G>C, p.Ser392Thr (NM_001284301.3, NM_001284302.3); short protein forms S392T.
Identifiers: ClinVar variation 1721846 (VCV001721846.5), dbSNP rs138329355, ClinGen allele CA367209293.
Genomic context (GRCh38, chr7:36,410,592, plus strand): 5'-CTTTCCTGGAACGCTTTGGAGAGCGTTGTCAAGAACATAGCAAAGAAAGTCCAGCTCGTA[G>C]CACACCCCACAGAACCCCCATTATTACTCCAAATACAAAGGCCATCCAAGAAAGATTATT-3'
Protein context (NP_061155.2, residues 382-402): QEHSKESPAR[Ser392Thr]TPHRTPIITP

ClinVar aggregate classification (germline): Uncertain significance (1 of 4 stars; one submission).

Submission:

Labcorp Genetics (formerly Invitae), Labcorp
Classification: Uncertain significance. Last evaluated: 2022-10-19. Review status: criteria provided, single submitter. Criteria: Invitae Variant Classification Sherloc (09022015). Collection method: clinical testing. Allele origin: germline.
Comment: This sequence change replaces serine, which is neutral and polar, with threonine, which is neutral and polar, at codon 392 of the ANLN protein (p.Ser392Thr). This variant is not present in population databases (gnomAD no frequency). This variant has not been reported in the literature in individuals affected with ANLN-related conditions. Advanced modeling of protein sequence and biophysical properties (such as structural, functional, and spatial information, amino acid conservation, physicochemical variation, residue mobility, and thermodynamic stability) performed at Invitae indicates that this missense variant is not expected to disrupt ANLN protein function. In summary, the available evidence is currently insufficient to determine the role of this variant in disease. Therefore, it has been classified as a Variant of Uncertain Significance.